The following is an entry in ClinVar:

ClinVar aggregate classification (germline): Conflicting classifications of pathogenicity. Review status: criteria provided, conflicting classifications (1 of 4 stars). 3 submissions from 3 submitters: Likely pathogenic (1); Uncertain significance (1). 1 of the submissions does not count toward it. Last evaluated 2024-06-27.

Conditions:
X-linked Alport syndrome (ATS1). Also called: COL4A5-Related Nephropathy; NEPHROPATHY AND DEAFNESS, X-LINKED. Identifiers: Orphanet 63, Orphanet 88917, MedGen C4746986, MONDO:0010520, OMIM 301050.

Allele frequency attached by ClinVar (database versions not stated): gnomAD exomes below 0.00001.
gnomAD v4.1: 1 of 1,185,852 alleles (0.000084%); highest among the groups gnomAD compares: Non-Finnish European, 0.00011%; no homozygotes.

Submissions (3):

3billion
Classification: Uncertain significance for X-linked Alport syndrome. Last evaluated: 2024-06-27. Review status: criteria provided, single submitter. Criteria: ACMG Guidelines, 2015. Collection method: clinical testing. Allele origin: germline. Affected: yes.
Comment: The variant is observed at an extremely low frequency in the gnomAD v4.0.0 dataset (total allele frequency: <0.001%). Predicted Consequence/Location: Missense variant In silico tool predictions suggest damaging effect of the variant on gene or gene product [REVEL: 0.99 (>=0.6, sensitivity 0.68 and specificity 0.92); 3Cnet: 0.97 (>=0.6, sensitivity 0.72 and precision 0.9)]. The same nucleotide change resulting in the same amino acid change has been previously reported to be associated with COL4A5-related disorder (ClinVar ID: VCV000024494 /PMID: 11223851). However, the evidence of pathogenicity is insufficient at this time. A different missense change at the same codon (p.Gly722Arg) has been reported to be associated with COL4A5-related disorder (PMID: 21505094). Therefore, this variant is classified as VUS according to the recommendation of ACMG/AMP guideline.

Fulgent Genetics
Classification: Likely pathogenic for X-linked Alport syndrome. Last evaluated: 2024-02-25. Review status: criteria provided, single submitter. Criteria: ACMG Guidelines, 2015. Collection method: clinical testing. Allele origin: germline.

Bioscientia Institut fuer Medizinische Diagnostik GmbH, Sonic Healthcare
Classification: Pathogenic for X-linked Alport syndrome. Last evaluated: 2018-11-20. Review status: no assertion criteria provided. Collection method: clinical testing. Allele origin: germline. Affected: yes. Not counted in ClinVar's aggregate classification.

Literature cited by the submitters: PubMed 21505094 (cited by 3billion); PubMed 11223851 (cited by 3billion).

NM_033380.3(COL4A5):c.2165G>A (p.Gly722Glu)

Gene: COL4A5 (collagen type IV alpha 5 chain; plus strand). Cytogenetic location: Xq22.3.
Variant type: single nucleotide variant.
Coding change: c.2165G>A on transcript NM_033380.3 (MANE Select); coding-DNA position 2165, G replaced by A.
Protein change: p.Gly722Glu; replaces glycine 722 with glutamic acid.
Molecular consequence: missense variant.
Genome position (GRCh38, 1-based): chrX:108,602,982, G>A. VCF-style: chrX-108602982-G-A. GRCh37 (hg19) VCF-style: chrX-107846212-G-A.
Other names: c.2165G>A, p.Gly722Glu (NM_000495.5); short protein forms G722E.
Identifiers: ClinVar variation 24494 (VCV000024494.7), dbSNP rs104886163, ClinGen allele CA258630.